The following is an entry in ClinVar:

ClinVar aggregate classification (germline): Likely benign. Review status: criteria provided, multiple submitters, no conflicts (2 of 4 stars). 2 submissions from 2 submitters: Likely benign (2). Last evaluated 2025-11-17.

Allele frequency attached by ClinVar (database versions not stated): gnomAD exomes 0.00003 and 0.00004; TOPMed 0.00003; ExAC 0.00004; gnomAD 0.00004.
gnomAD v4.1: 51 of 1,613,638 alleles (0.0032%); highest among the groups gnomAD compares: African/African-American, 0.0094%; no homozygotes.

Submissions (2):

Labcorp Genetics (formerly Invitae), Labcorp
Classification: Likely benign. Last evaluated: 2025-11-17. Review status: criteria provided, single submitter. Criteria: Invitae Variant Classification Sherloc (09022015). Collection method: clinical testing. Allele origin: germline.

GeneDx
Classification: Likely benign. Last evaluated: 2020-11-20. Review status: criteria provided, single submitter. Criteria: GeneDx Variant Classification Process June 2021. Collection method: clinical testing. Allele origin: germline. Affected: yes.
Comment: In-silico analysis, which includes splice predictors and evolutionary conservation, is inconclusive as to whether the variant alters gene splicing. In the absence of RNA/functional studies, the actual effect of this sequence change is unknown.

NM_006245.4(PPP2R5D):c.192G>A (p.Pro64=)

Gene: PPP2R5D (protein phosphatase 2 regulatory subunit B'delta; plus strand). Cytogenetic location: 6p21.1.
Variant type: single nucleotide variant.
Coding change: c.192G>A on transcript NM_006245.4 (MANE Select); coding-DNA position 192, G replaced by A.
Protein change: p.Pro64=; no amino-acid change (proline 64 retained).
Molecular consequence: synonymous variant. On other transcripts: 5 prime UTR variant (1), intron variant (1).
Genome position (GRCh38, 1-based): chr6:43,006,549, G>A. VCF-style: chr6-43006549-G-A. GRCh37 (hg19) VCF-style: chr6-42974287-G-A.
Other names: c.-262G>A (NM_001270476.2); c.192G>A, p.Pro64= (NM_180976.3); c.28-385G>A (NM_180977.3).
Identifiers: ClinVar variation 1196012 (VCV001196012.10), dbSNP rs765929202, ClinGen allele CA3811771.